The following is an entry in ClinVar:

ClinVar aggregate classification (germline): Pathogenic (1 of 4 stars; one submission).

Conditions:
Polycystic kidney disease 2 (PKD2). Also called: POLYCYSTIC KIDNEY DISEASE, ADULT, TYPE II; POLYCYSTIC KIDNEY DISEASE 2 WITH OR WITHOUT POLYCYSTIC LIVER DISEASE; Polycystic Kidney Disease 2, Autosomal Dominant. Identifiers: MedGen C2751306, MONDO:0013131, OMIM 613095.

Submission:

MVZ Medizinische Genetik Mainz
Classification: Pathogenic for Polycystic kidney disease 2. Last evaluated: 2024-02-23. Review status: criteria provided, single submitter. Criteria: UK Practice Guidelines For Variant Classification V4 01 2020. Collection method: clinical testing. Allele origin: germline. Inheritance: Autosomal dominant inheritance. Affected: yes. Observed: 2 variant alleles.
Comment: ACMG Criteria: PVS1, PM5, PM2_SUP, PP4

NM_000297.4(PKD2):c.1934del (p.Asn645fs)

Gene: PKD2 (polycystin 2, transient receptor potential cation channel; plus strand). Cytogenetic location: 4q22.1.
Variant type: Deletion.
Coding change: c.1934del on transcript NM_000297.4 (MANE Select); coding-DNA position 1934, one base deleted (A; older notation c.1934delA).
Protein change: p.Asn645fs; shifts the reading frame from asparagine 645.
Molecular consequence: frameshift variant.
Genome position (GRCh38, 1-based): chr4:88,058,018, A deleted; the last of 2 consecutive A bases (chr4:88,058,017-88,058,018); deleting either gives the same sequence. VCF-style (leftmost placement, unchanged base first): chr4-88058016-CA-C. GRCh37 (hg19) VCF-style: chr4-88979168-CA-C.
Other names: short protein forms N645fs.
Identifiers: ClinVar variation 3066375 (VCV003066375.1), dbSNP rs2475959368, ClinGen allele CA2740097803.